The following is an entry in ClinVar:

ClinVar aggregate classification (germline): Uncertain significance (1 of 4 stars; one submission).

Conditions:
WDPCP-related disorder. Also called: WDPCP-related condition.

Submission:

PreventionGenetics, part of Exact Sciences
Classification: Uncertain significance for WDPCP-related condition. Last evaluated: 2025-05-06. Review status: criteria provided, single submitter. Criteria: ACMG Guidelines, 2015. Collection method: clinical testing. Allele origin: germline.
Comment: The WDPCP c.694A>G variant is predicted to result in the amino acid substitution p.Asn232Asp. To our knowledge, this variant has not been reported in the literature or in a large population database, indicating this variant is rare. At this time, the clinical significance of this variant is uncertain due to the absence of conclusive functional and genetic evidence.

NM_015910.7(WDPCP):c.694A>G (p.Asn232Asp)

Gene: WDPCP (WD repeat containing planar cell polarity effector; minus strand). Cytogenetic location: 2p15.
Variant type: single nucleotide variant.
Coding change: c.694A>G on transcript NM_015910.7 (MANE Select); coding-DNA position 694, A replaced by G.
Protein change: p.Asn232Asp; replaces asparagine 232 with aspartic acid.
Molecular consequence: missense variant. On other transcripts: non-coding transcript variant (3).
Genome position (GRCh38, 1-based): chr2:63,433,876, T>C on the plus strand (A>G on the coding strand, the complement: WDPCP is on the minus strand). VCF-style: chr2-63433876-T-C. GRCh37 (hg19) VCF-style: chr2-63661010-T-C.
Other names: c.217A>G, p.Asn73Asp (NM_001042692.3); c.622A>G, p.Asn208Asp (NM_001354044.2); c.694A>G, p.Asn232Asp (NM_001354045.2); short protein forms N208D, N232D, N73D.
Identifiers: ClinVar variation 4985915 (VCV004985915.1).
Genomic context (GRCh38, chr2:63,433,876, plus strand): 5'-AAGGCCAAGCATCATCGTTGACCAGTGGCCACCAGCAAACAACTCTATCATGAACACAGT[T>C]GATAGCTAGATGTCGCTCTGTTGTCTTGTTTATTGGGCCGGGTATTTCATAATAGAAAAT-3'
Protein context (NP_056994.3, residues 222-242): NKTTERHLAI[Asn232Asp]CVHDRVVCWW